The following is an entry in ClinVar:

NM_033305.3(VPS13A):c.3943C>T (p.Gln1315Ter)

Gene: VPS13A (vacuolar protein sorting 13 homolog A; plus strand). Cytogenetic location: 9q21.2.
Variant type: single nucleotide variant.
Coding change: c.3943C>T on transcript NM_033305.3 (MANE Select); coding-DNA position 3943, C replaced by T.
Protein change: p.Gln1315Ter; replaces glutamine 1315 with a stop codon.
Molecular consequence: nonsense.
Genome position (GRCh38, 1-based): chr9:77,303,045, C>T. VCF-style: chr9-77303045-C-T. GRCh37 (hg19) VCF-style: chr9-79917961-C-T.
Other names: c.3826C>T, p.Gln1276Ter (NM_001018037.2); c.3943C>T, p.Gln1315Ter (NM_001018038.3, NM_015186.4); short protein forms Q1276*, Q1315*.
Identifiers: ClinVar variation 2786610 (VCV002786610.4), dbSNP rs2537930127, ClinGen allele CA373852795.

ClinVar aggregate classification (germline): Pathogenic (1 of 4 stars; one submission).

gnomAD v4.1: 3 of 1,613,874 alleles (0.00019%); highest among the groups gnomAD compares: Non-Finnish European, 0.00025%; no homozygotes.

Submission:

Labcorp Genetics (formerly Invitae), Labcorp
Classification: Pathogenic. Last evaluated: 2023-06-23. Review status: criteria provided, single submitter. Criteria: Invitae Variant Classification Sherloc (09022015). Collection method: clinical testing. Allele origin: germline.
Comment: For these reasons, this variant has been classified as Pathogenic. Algorithms developed to predict the effect of sequence changes on RNA splicing suggest that this variant may disrupt the consensus splice site. This variant has not been reported in the literature in individuals affected with VPS13A-related conditions. This variant is not present in population databases (gnomAD no frequency). This sequence change creates a premature translational stop signal (p.Gln1315*) in the VPS13A gene. It is expected to result in an absent or disrupted protein product. Loss-of-function variants in VPS13A are known to be pathogenic (PMID: 12404112, 21598378).

Literature cited by the submitters: PubMed 12404112; PubMed 21598378.